The following is an entry in ClinVar:

ClinVar aggregate classification (germline): Uncertain significance (1 of 4 stars; one submission).

Submission:

Women's Health and Genetics/Laboratory Corporation of America, LabCorp
Classification: Uncertain significance. Last evaluated: 2023-11-07. Review status: criteria provided, single submitter. Criteria: LabCorp Variant Classification Summary - May 2015. Collection method: clinical testing. Allele origin: germline.
Comment: Variant summary: The variant involves the duplication of exon 20 in the CFTR gene. A presumed nomenclature of c.(3139+1_3140-1)_(3367+1_3368-1)dup has been designated for the purposes of this classification. It is assumed to be a tandem duplication in direct orientation (Richardson_GIM_2018, Newman_AJHG_2015). This Copy Number Variant (CNV) is predicted to result in an in-frame duplication within this gene. The variant was absent in 21694 control chromosomes. The available data on variant occurrences in the general population are insufficient to allow any conclusion about variant significance. To our knowledge, no occurrence of c.(3139+1_3140-1)_(3367+1_3368-1)dup in individuals affected with Cystic Fibrosis and no experimental evidence demonstrating its impact on protein function have been reported. No submitters have cited clinical-significance assessments for this variant to ClinVar after 2014. Based on the evidence outlined above, the variant was classified as uncertain significance.

NC_000007.13:g.(117250724_117251634)_(117251863_117254666)dup

Gene: CFTR (CF transmembrane conductance regulator; plus strand). Cytogenetic location: 7q31.2.
Variant type: Duplication.
Identifiers: ClinVar variation 2682359 (VCV002682359.1).